The following is an entry in ClinVar:

NM_032122.5(DTNBP1):c.162G>C (p.Arg54Ser)

Gene: DTNBP1 (dystrobrevin binding protein 1; minus strand). Cytogenetic location: 6p22.3.
Variant type: single nucleotide variant.
Coding change: c.162G>C on transcript NM_032122.5 (MANE Select); coding-DNA position 162, G replaced by C.
Protein change: p.Arg54Ser; replaces arginine 54 with serine.
Molecular consequence: missense variant. On other transcripts: 5 prime UTR variant (1), synonymous variant (1), non-coding transcript variant (1).
Genome position (GRCh38, 1-based): chr6:15,637,804, C>G on the plus strand (G>C on the coding strand, the complement: DTNBP1 is on the minus strand). VCF-style: chr6-15637804-C-G. GRCh37 (hg19) VCF-style: chr6-15638035-C-G.
Other names: p.?; c.162G>C (NM_032122.4); c.-82G>C (NM_001271667.2); c.111G>C, p.Arg37Ser (NM_001271668.2); c.57G>C, p.Gly19= (NM_001271669.2); c.162G>C, p.Arg54Ser (NM_183040.2); short protein forms R54S, R37S.
Identifiers: ClinVar variation 1346063 (VCV001346063.7), dbSNP rs77460377, ClinGen allele CA3644218.

ClinVar aggregate classification (germline): Conflicting classifications of pathogenicity. Review status: criteria provided, conflicting classifications (1 of 4 stars). 2 submissions from 2 submitters: Uncertain significance (1); Benign (1). Last evaluated 2025-10-16.

Allele frequency attached by ClinVar (database versions not stated): 1000 Genomes Project 30x 0.00094; 1000 Genomes Project 0.00120.
gnomAD v4.1: 287 of 1,612,390 alleles (0.018%); highest among the groups gnomAD compares: East Asian, 0.62%; 3 homozygotes.

Submissions (6):

Mayo Clinic Laboratories, Mayo Clinic
Classification: Benign. Last evaluated: 2025-10-16. Review status: criteria provided, single submitter. Criteria: ACMG Guidelines, 2015. Collection method: clinical testing. Allele origin: germline. Observed: 1 variant allele.
Comment: BA1

Labcorp Genetics (formerly Invitae), Labcorp
Classification: Uncertain significance. Last evaluated: 2022-07-06. Review status: criteria provided, single submitter. Criteria: Invitae Variant Classification Sherloc (09022015). Collection method: clinical testing. Allele origin: germline.
Comment: This sequence change replaces arginine, which is basic and polar, with serine, which is neutral and polar, at codon 54 of the DTNBP1 protein (p.Arg54Ser). This variant is present in population databases (rs77460377, gnomAD 0.1%), including at least one homozygous and/or hemizygous individual. This variant has not been reported in the literature in individuals affected with DTNBP1-related conditions. ClinVar contains an entry for this variant (Variation ID: 1346063). Algorithms developed to predict the effect of missense changes on protein structure and function are either unavailable or do not agree on the potential impact of this missense change (SIFT: "Deleterious"; PolyPhen-2: "Benign"; Align-GVGD: "Class C0"). Algorithms developed to predict the effect of sequence changes on RNA splicing suggest that this variant may disrupt the consensus splice site. In summary, the available evidence is currently insufficient to determine the role of this variant in disease. Therefore, it has been classified as a Variant of Uncertain Significance.

Dr. Peter K. Rogan Lab, Western University
No classification provided (evidence only). Condition: Hepatocellular carcinoma. Review status: no classification provided. Collection method: in vitro. Allele origin: not applicable. Functional consequence: skipped exon. Not counted in ClinVar's aggregate classification.

Dr. Peter K. Rogan Lab, Western University
No classification provided (evidence only). Condition: Gastric cancer. Review status: no classification provided. Collection method: in vitro. Allele origin: not applicable. Functional consequence: retained intron. Not counted in ClinVar's aggregate classification.

Dr. Peter K. Rogan Lab, Western University
No classification provided (evidence only). Condition: Hepatocellular carcinoma. Review status: no classification provided. Collection method: in vitro. Allele origin: not applicable. Functional consequence: retained intron. Not counted in ClinVar's aggregate classification.

Dr. Peter K. Rogan Lab, Western University
No classification provided (evidence only). Condition: Hepatocellular carcinoma. Review status: no classification provided. Collection method: in vitro. Allele origin: not applicable. Functional consequence: retained intron. Not counted in ClinVar's aggregate classification.